The following is an entry in ClinVar:

NM_000975.5(RPL11):c.49_51dup (p.Ile17_Arg18insIle)

Gene: RPL11 (ribosomal protein L11; plus strand). Cytogenetic location: 1p36.11.
Variant type: Duplication.
Coding change: c.49_51dup on transcript NM_000975.5 (MANE Select); coding-DNA positions 49 to 51, 3 bases duplicated (ATC; older notation c.49_51dupATC).
Protein change: p.Ile17_Arg18insIle.
Molecular consequence: inframe insertion.
Genome position (GRCh38, 1-based): chr1:23,692,651-23,692,653, ATC duplicated; duplicating any 3 consecutive bases within chr1:23,692,650-23,692,653 gives the same sequence; the c. name uses the placement nearest the transcript's 3' end. VCF-style (leftmost placement, unchanged base first): chr1-23692649-G-GCAT. GRCh37 (hg19) VCF-style: chr1-24019139-G-GCAT.
Other names: c.46_48dup, p.Ile16_Arg17insIle (NM_001199802.1).
Identifiers: ClinVar variation 4726595 (VCV004726595.1).

ClinVar aggregate classification (germline): Uncertain significance (1 of 4 stars; one submission).

Conditions:
Diamond-Blackfan anemia. Also called: Blackfan Diamond syndrome; Aregenerative anemia chronic congenital; Red cell aplasia, pure hereditary; Congenital hypoplastic anemia; Aase syndrome. Identifiers: Orphanet 124, MedGen C1260899, MeSH D029503, MONDO:0015253, HP:0004810.

Submission:

Labcorp Genetics (formerly Invitae), Labcorp
Classification: Uncertain significance for Diamond-Blackfan anemia. Last evaluated: 2025-10-08. Review status: criteria provided, single submitter. Criteria: Invitae Variant Classification Sherloc (09022015). Collection method: clinical testing. Allele origin: germline.
Comment: This variant, c.49_51dup, results in the insertion of 1 amino acid(s) of the RPL11 protein (p.Ile17dup), but otherwise preserves the integrity of the reading frame. This variant is not present in population databases (gnomAD no frequency). This variant has not been reported in the literature in individuals affected with RPL11-related conditions. In summary, the available evidence is currently insufficient to determine the role of this variant in disease. Therefore, it has been classified as a Variant of Uncertain Significance.